The following is an entry in ClinVar:

ClinVar aggregate classification (germline): Uncertain significance (1 of 4 stars; one submission).

Submission:

Labcorp Genetics (formerly Invitae), Labcorp
Classification: Uncertain significance. Last evaluated: 2023-09-11. Review status: criteria provided, single submitter. Criteria: Invitae Variant Classification Sherloc (09022015). Collection method: clinical testing. Allele origin: germline.
Comment: In summary, the available evidence is currently insufficient to determine the role of this variant in disease. Therefore, it has been classified as a Variant of Uncertain Significance. This variant has not been reported in the literature in individuals affected with MAGEL2-related conditions. This variant is not present in population databases (gnomAD no frequency). This sequence change affects codon 1038 of the MAGEL2 mRNA. It is a 'silent' change, meaning that it does not change the encoded amino acid sequence of the MAGEL2 protein.

NM_019066.5(MAGEL2):c.3114G>A (p.Lys1038=)

Gene: MAGEL2 (MAGE family member L2; minus strand). Cytogenetic location: 15q11.2.
Variant type: single nucleotide variant.
Coding change: c.3114G>A on transcript NM_019066.5 (MANE Select); coding-DNA position 3114, G replaced by A.
Protein change: p.Lys1038=; no amino-acid change (lysine 1038 retained).
Molecular consequence: synonymous variant.
Genome position (GRCh38, 1-based): chr15:23,644,629, C>T on the plus strand (G>A on the coding strand, the complement: MAGEL2 is on the minus strand). VCF-style: chr15-23644629-C-T. GRCh37 (hg19) VCF-style: chr15-23889776-C-T.
Identifiers: ClinVar variation 2749783 (VCV002749783.3), dbSNP rs1004039085, ClinGen allele CA489228618.